The following is an entry in ClinVar:

NM_206937.2(LIG4):c.1440G>A (p.Met480Ile)

Gene: LIG4 (DNA ligase 4; minus strand). Cytogenetic location: 13q33.3.
Variant type: single nucleotide variant.
Coding change: c.1440G>A on transcript NM_206937.2 (MANE Select); coding-DNA position 1440, G replaced by A.
Protein change: p.Met480Ile; replaces methionine 480 with isoleucine.
Molecular consequence: missense variant.
Genome position (GRCh38, 1-based): chr13:108,209,829, C>T on the plus strand (G>A on the coding strand, the complement: LIG4 is on the minus strand). VCF-style: chr13-108209829-C-T. GRCh37 (hg19) VCF-style: chr13-108862177-C-T.
Other names: c.1440G>A, p.Met480Ile (NM_001098268.2, NM_001352598.2, NM_001352599.2 and 6 more transcripts); c.1239G>A, p.Met413Ile (NM_001330595.2); c.1476G>A, p.Met492Ile (NM_001352604.2); short protein forms M492I, M413I, M480I.
Identifiers: ClinVar variation 853859 (VCV000853859.1), dbSNP rs1878414694, ClinGen allele CA388617323.

ClinVar aggregate classification (germline): Uncertain significance (1 of 4 stars; one submission).

Conditions:
DNA ligase IV deficiency. Identifiers: Orphanet 99812, MedGen C1847827, MONDO:0011686, OMIM 606593.

Allele frequency attached by ClinVar (database versions not stated): gnomAD exomes below 0.00001.
gnomAD v4.1: 3 of 1,614,150 alleles (0.00019%); highest among the groups gnomAD compares: Middle Eastern, 0.016%; no homozygotes.

Submission:

Labcorp Genetics (formerly Invitae), Labcorp
Classification: Uncertain significance for Lig4 syndrome. Last evaluated: 2019-05-08. Review status: criteria provided, single submitter. Criteria: Invitae Variant Classification Sherloc (09022015). Collection method: clinical testing. Allele origin: germline.
Comment: This sequence change replaces methionine with isoleucine at codon 480 of the LIG4 protein (p.Met480Ile). The methionine residue is moderately conserved and there is a small physicochemical difference between methionine and isoleucine. This variant is not present in population databases (ExAC no frequency). This variant has not been reported in the literature in individuals with LIG4-related conditions. Algorithms developed to predict the effect of missense changes on protein structure and function (SIFT, PolyPhen-2, Align-GVGD) all suggest that this variant is likely to be tolerated, but these predictions have not been confirmed by published functional studies and their clinical significance is uncertain. In summary, the available evidence is currently insufficient to determine the role of this variant in disease. Therefore, it has been classified as a Variant of Uncertain Significance.